The following is an entry in ClinVar:

ClinVar aggregate classification (germline): Uncertain significance (1 of 4 stars; one submission).

Conditions:
Familial cold autoinflammatory syndrome 2 (FCAS2). Identifiers: Orphanet 247868, MedGen C2673198, MONDO:0012724, OMIM 611762.

Submission:

Labcorp Genetics (formerly Invitae), Labcorp
Classification: Uncertain significance for Familial cold autoinflammatory syndrome 2. Last evaluated: 2025-08-19. Review status: criteria provided, single submitter. Criteria: Invitae Variant Classification Sherloc (09022015). Collection method: clinical testing. Allele origin: germline.
Comment: This sequence change replaces glutamic acid, which is acidic and polar, with aspartic acid, which is acidic and polar, at codon 717 of the NLRP12 protein (p.Glu717Asp). This variant is not present in population databases (gnomAD no frequency). This variant has not been reported in the literature in individuals affected with NLRP12-related conditions. An algorithm developed to predict the effect of missense changes on protein structure and function (PolyPhen-2) suggests that this variant is likely to be disruptive. In summary, the available evidence is currently insufficient to determine the role of this variant in disease. Therefore, it has been classified as a Variant of Uncertain Significance.

NM_144687.4(NLRP12):c.2151G>C (p.Glu717Asp)

Gene: NLRP12 (NLR family pyrin domain containing 12; minus strand). Cytogenetic location: 19q13.42.
Variant type: single nucleotide variant.
Coding change: c.2151G>C on transcript NM_144687.4 (MANE Select); coding-DNA position 2151, G replaced by C.
Protein change: p.Glu717Asp; replaces glutamic acid 717 with aspartic acid.
Molecular consequence: missense variant.
Genome position (GRCh38, 1-based): chr19:53,807,587, C>G on the plus strand (G>C on the coding strand, the complement: NLRP12 is on the minus strand). VCF-style: chr19-53807587-C-G. GRCh37 (hg19) VCF-style: chr19-54310841-C-G.
Other names: c.2154G>C, p.Glu718Asp (NM_001277126.2); c.2151G>C, p.Glu717Asp (NM_001277129.1); short protein forms E717D, E718D.
Identifiers: ClinVar variation 4724925 (VCV004724925.1).